The following is an entry in ClinVar:

NM_001807.6(CEL):c.819G>A (p.Arg273=)

Gene: CEL (carboxyl ester lipase; plus strand). Cytogenetic location: 9q34.13.
Variant type: single nucleotide variant.
Coding change: c.819G>A on transcript NM_001807.6 (MANE Select); coding-DNA position 819, G replaced by A.
Protein change: p.Arg273=; no amino-acid change (arginine 273 retained).
Molecular consequence: synonymous variant.
Genome position (GRCh38, 1-based): chr9:133,067,129, G>A. VCF-style: chr9-133067129-G-A. GRCh37 (hg19) VCF-style: chr9-135942516-G-A.
Identifiers: ClinVar variation 3390336 (VCV003390336.15).

ClinVar aggregate classification (germline): Likely benign. Review status: criteria provided, multiple submitters, no conflicts (2 of 4 stars). 2 submissions from 2 submitters: Likely benign (2). Last evaluated 2025-01-01.

Submissions (2):

CeGaT Center for Human Genetics Tuebingen
Classification: Likely benign. Last evaluated: 2025-01-01. Review status: criteria provided, single submitter. Criteria: CeGaT Center For Human Genetics Tuebingen Variant Classification Criteria Version 2. Collection method: clinical testing. Allele origin: germline. Affected: yes. Observed: 1 variant allele.
Comment: CEL: BP4, BP7

Blueprint Genetics
Classification: Likely benign. Last evaluated: 2024-11-19. Review status: criteria provided, single submitter. Criteria: ACMG Guidelines, 2015. Collection method: clinical testing. Allele origin: germline.